The following is an entry in ClinVar:

ClinVar aggregate classification (germline): Uncertain significance (1 of 4 stars; one submission).

Submission:

GeneDx
Classification: Uncertain significance. Last evaluated: 2026-04-16. Review status: criteria provided, single submitter. Criteria: GeneDx Variant Classification Process June 2021. Collection method: clinical testing. Allele origin: germline.
Comment: Not observed at significant frequency in large population cohorts (gnomAD); In silico analysis supports that this missense variant has a deleterious effect on protein structure/function; Has not been previously published as pathogenic or benign to our knowledge

NM_014225.6(PPP2R1A):c.1021G>T (p.Val341Phe)

Gene: PPP2R1A (protein phosphatase 2 scaffold subunit Aalpha; plus strand). Cytogenetic location: 19q13.41.
Variant type: single nucleotide variant.
Coding change: c.1021G>T on transcript NM_014225.6 (MANE Select); coding-DNA position 1021, G replaced by T.
Protein change: p.Val341Phe; replaces valine 341 with phenylalanine.
Molecular consequence: missense variant. On other transcripts: non-coding transcript variant (1).
Genome position (GRCh38, 1-based): chr19:52,216,556, G>T. VCF-style: chr19-52216556-G-T. GRCh37 (hg19) VCF-style: chr19-52719809-G-T.
Other names: c.484G>T, p.Val162Phe (NM_001363656.2); short protein forms V162F, V341F.
Identifiers: ClinVar variation 5037310 (VCV005037310.1).